The following is an entry in ClinVar:

NM_022841.7(RFX7):c.758A>G (p.Tyr253Cys)

Gene: RFX7 (regulatory factor X7; minus strand). Cytogenetic location: 15q21.3.
Variant type: single nucleotide variant.
Coding change: c.758A>G on transcript NM_022841.7 (MANE Select); coding-DNA position 758, A replaced by G.
Protein change: p.Tyr253Cys; replaces tyrosine 253 with cysteine.
Molecular consequence: missense variant.
Genome position (GRCh38, 1-based): chr15:56,101,412, T>C on the plus strand (A>G on the coding strand, the complement: RFX7 is on the minus strand). VCF-style: chr15-56101412-T-C. GRCh37 (hg19) VCF-style: chr15-56393610-T-C.
Other names: c.467A>G, p.Tyr156Cys (NM_001368073.2, NM_001368074.1, NM_001370554.1); c.758A>G, p.Tyr253Cys (NM_001370561.1); short protein forms Y156C, Y253C.
Identifiers: ClinVar variation 3701767 (VCV003701767.2).

ClinVar aggregate classification (germline): Uncertain significance (1 of 4 stars; one submission).

gnomAD v4.1: 2 of 1,610,982 alleles (0.00012%); highest among the groups gnomAD compares: African/African-American, 0.0013%; no homozygotes.

Submission:

Labcorp Genetics (formerly Invitae), Labcorp
Classification: Uncertain significance. Last evaluated: 2024-10-31. Review status: criteria provided, single submitter. Criteria: Invitae Variant Classification Sherloc (09022015). Collection method: clinical testing. Allele origin: germline.
Comment: This sequence change replaces tyrosine, which is neutral and polar, with cysteine, which is neutral and slightly polar, at codon 253 of the RFX7 protein (p.Tyr253Cys). This variant is present in population databases (no rsID available, gnomAD 0.007%). This variant has not been reported in the literature in individuals affected with RFX7-related conditions. An algorithm developed to predict the effect of missense changes on protein structure and function outputs the following: PolyPhen-2: "Not Available". The cysteine amino acid residue is found in multiple mammalian species, which suggests that this missense change does not adversely affect protein function. In summary, the available evidence is currently insufficient to determine the role of this variant in disease. Therefore, it has been classified as a Variant of Uncertain Significance.